The following is an entry in ClinVar:

ClinVar aggregate classification (germline): Conflicting classifications of pathogenicity. Review status: criteria provided, conflicting classifications (1 of 4 stars). 7 submissions from 7 submitters: Uncertain significance (5); Likely benign (1). 1 of the submissions does not count toward it. Last evaluated 2025-12-03.

Conditions:
Nemaline myopathy 2 (NEM2). Also called: Nemaline myopathy 2, autosomal recessive. Identifiers: MedGen C1850569, MONDO:0009725, OMIM 256030.
Inborn genetic diseases. Identifiers: MedGen C0950123, MeSH D030342.

Allele frequency attached by ClinVar (database versions not stated): TOPMed 0.00006; ExAC 0.00013; gnomAD 0.00014 and 0.00015; ESP Exome Variant Server 0.00017; gnomAD exomes 0.00018 and 0.00019.
gnomAD v4.1: 305 of 1,612,960 alleles (0.019%); highest among the groups gnomAD compares: Non-Finnish European, 0.019%; no homozygotes.

Submissions (7):

Labcorp Genetics (formerly Invitae), Labcorp
Classification: Likely benign for Nemaline myopathy 2. Last evaluated: 2025-12-03. Review status: criteria provided, single submitter. Criteria: Invitae Variant Classification Sherloc (09022015). Collection method: clinical testing. Allele origin: germline.

Ambry Genetics
Classification: Uncertain significance for Inborn genetic diseases. Last evaluated: 2025-01-10. Review status: criteria provided, single submitter. Criteria: Ambry Variant Classification Scheme 2023. Collection method: clinical testing. Allele origin: germline.

GeneDx
Classification: Uncertain significance. Last evaluated: 2023-12-01. Review status: criteria provided, single submitter. Criteria: GeneDx Variant Classification Process June 2021. Collection method: clinical testing. Allele origin: germline. Affected: yes.
Comment: In silico analysis supports that this missense variant does not alter protein structure/function; Has not been previously published as pathogenic or benign to our knowledge

Mayo Clinic Laboratories, Mayo Clinic
Classification: Uncertain significance. Last evaluated: 2023-08-08. Review status: criteria provided, single submitter. Criteria: ACMG Guidelines, 2015. Collection method: clinical testing. Allele origin: germline. Observed: 1 variant allele.
Comment: BP4, PM2_moderate

Daryl Scott Lab, Baylor College of Medicine
Classification: Uncertain significance for Nemaline myopathy 2. Last evaluated: 2022-02-01. Review status: criteria provided, single submitter. Criteria: ACMG Guidelines, 2015. Collection method: clinical testing. Allele origin: unknown. Observed: 1 variant allele, 1 compound heterozygote.

Revvity Omics, Revvity
Classification: Uncertain significance. Last evaluated: 2020-09-10. Review status: criteria provided, single submitter. Criteria: ACMG Guidelines, 2015. Collection method: clinical testing. Allele origin: germline.

Natera, Inc.
Classification: Uncertain significance for Nemaline myopathy type 2. Last evaluated: 2020-01-17. Review status: no assertion criteria provided. Collection method: clinical testing. Allele origin: germline. Not counted in ClinVar's aggregate classification.

Literature cited by the submitters: PubMed 36474027 (cited by Daryl Scott Lab, Baylor College of Medicine).

NM_001164508.2(NEB):c.21173C>T (p.Thr7058Ile)

Gene: NEB (nebulin; minus strand). Cytogenetic location: 2q23.3.
Variant type: single nucleotide variant.
Coding change: c.21173C>T on transcript NM_001164508.2 (MANE Select); coding-DNA position 21173, C replaced by T.
Protein change: p.Thr7058Ile; replaces threonine 7058 with isoleucine.
Molecular consequence: missense variant.
Genome position (GRCh38, 1-based): chr2:151,537,166, G>A on the plus strand (C>T on the coding strand, the complement: NEB is on the minus strand). VCF-style: chr2-151537166-G-A. GRCh37 (hg19) VCF-style: chr2-152393680-G-A.
Other names: p.Thr7058Ile; c.21173C>T, p.Thr7058Ile (NM_001164507.2, NM_001271208.2); c.16070C>T, p.Thr5357Ile (NM_004543.5); c.16070C>T (NM_004543.4); short protein forms T7058I, T5357I.
Identifiers: ClinVar variation 381291 (VCV000381291.20), dbSNP rs200523155, ClinGen allele CA1907065.